The following is an entry in ClinVar:

ClinVar aggregate classification (germline): Uncertain significance. Review status: criteria provided, multiple submitters, no conflicts (2 of 4 stars). 2 submissions from 2 submitters: Uncertain significance (2). Last evaluated 2024-09-19.

Conditions:
RASopathy. Also called: rasopathies; Noonan spectrum disorder. Identifiers: Orphanet 536391, MedGen C5555857, MONDO:0021060.

Submissions (2):

GeneDx
Classification: Uncertain significance. Last evaluated: 2024-09-19. Review status: criteria provided, single submitter. Criteria: GeneDx Variant Classification Process June 2021. Collection method: clinical testing. Allele origin: germline. Affected: yes.
Comment: Not observed at significant frequency in large population cohorts (gnomAD); Has not been previously published as pathogenic or benign to our knowledge; Nonsense variant predicted to result in protein truncation as the last 40 amino acid(s) are lost with an unclear effect on protein function; This variant is associated with the following publications: (PMID: 11067845, 20619386)

Labcorp Genetics (formerly Invitae), Labcorp
Classification: Uncertain significance for RASopathy. Last evaluated: 2022-10-15. Review status: criteria provided, single submitter. Criteria: Invitae Variant Classification Sherloc (09022015). Collection method: clinical testing. Allele origin: germline.
Comment: In summary, the available evidence is currently insufficient to determine the role of this variant in disease. Therefore, it has been classified as a Variant of Uncertain Significance. Algorithms developed to predict the effect of sequence changes on RNA splicing suggest that this variant may create or strengthen a splice site. Experimental studies and prediction algorithms are not available or were not evaluated, and the functional significance of this variant is currently unknown. This variant has not been reported in the literature in individuals affected with CBL-related conditions. This variant is not present in population databases (gnomAD no frequency). This sequence change creates a premature translational stop signal (p.Gln867*) in the CBL gene. While this is not anticipated to result in nonsense mediated decay, it is expected to disrupt the last 40 amino acid(s) of the CBL protein.

NM_005188.4(CBL):c.2599C>T (p.Gln867Ter)

Gene: CBL (Cbl proto-oncogene; plus strand). Cytogenetic location: 11q23.3.
Variant type: single nucleotide variant.
Coding change: c.2599C>T on transcript NM_005188.4 (MANE Select); coding-DNA position 2599, C replaced by T.
Protein change: p.Gln867Ter; replaces glutamine 867 with a stop codon.
Molecular consequence: nonsense.
Genome position (GRCh38, 1-based): chr11:119,299,659, C>T. VCF-style: chr11-119299659-C-T. GRCh37 (hg19) VCF-style: chr11-119170369-C-T.
Other names: c.2599C>T (NM_005188.2); short protein forms Q867*.
Identifiers: ClinVar variation 1906552 (VCV001906552.6), dbSNP rs2496976080, ClinGen allele CA382933128.